The following is an entry in ClinVar:

ClinVar aggregate classification (germline): Likely pathogenic (1 of 4 stars; one submission).

Conditions:
Familial infantile myasthenia (CMS6). Also called: MYASTHENIC SYNDROME, PRESYNAPTIC, CONGENITAL, ASSOCIATED WITH EPISODIC APNEA; MYASTHENIC SYNDROME, CONGENITAL, 6, PRESYNAPTIC; Congenital myasthenic syndrome type 6. Identifiers: Orphanet 590, MedGen C0393929, MONDO:0009689, OMIM 254210.

Submission:

Pediatric Neurology, Ankara Etlik City Hospital, Health Sciences University
Classification: Likely pathogenic for Familial infantile myasthenia. Last evaluated: 2026-04-14. Review status: criteria provided, single submitter. Criteria: ACMG Guidelines, 2015. Collection method: clinical testing. Allele origin: germline. Inheritance: Autosomal recessive inheritance. Affected: yes. Observed: 1 variant allele, 1 compound heterozygote.
Comment: PM2 PM5 PP3; observed in compound heterozygosity with CHAT c.1007T>C.

Literature cited by the submitters: PubMed 26789281.

NM_020549.5(CHAT):c.917T>C (p.Val306Ala)

Gene: CHAT (choline O-acetyltransferase; plus strand). Cytogenetic location: 10q11.23.
Variant type: single nucleotide variant.
Coding change: c.917T>C on transcript NM_020549.5 (MANE Select); coding-DNA position 917, T replaced by C.
Protein change: p.Val306Ala; replaces valine 306 with alanine.
Molecular consequence: missense variant.
Genome position (GRCh38, 1-based): chr10:49,625,637, T>C. VCF-style: chr10-49625637-T-C. GRCh37 (hg19) VCF-style: chr10-50833683-T-C.
Other names: c.563T>C, p.Val188Ala (NM_001142929.2, NM_001142934.2, NM_020984.4 and 2 more transcripts); c.671T>C, p.Val224Ala (NM_001142933.2); short protein forms V188A, V224A, V306A.
Identifiers: ClinVar variation 4845286 (VCV004845286.1).